The following is an entry in ClinVar:

NM_033310.3(KCNK4):c.350G>A (p.Arg117His)

Genes: KCNK4 (potassium two pore domain channel subfamily K member 4; plus strand), KCNK4-CATSPERZ (KCNK4-CATSPERZ readthrough (NMD candidate); plus strand). Cytogenetic location: 11q13.1.
Variant type: single nucleotide variant.
Coding change: c.350G>A on transcript NM_033310.3 (MANE Select); coding-DNA position 350, G replaced by A.
Protein change: p.Arg117His; replaces arginine 117 with histidine.
Molecular consequence: missense variant. On other transcripts: non-coding transcript variant (3).
Genome position (GRCh38, 1-based): chr11:64,297,155, G>A. VCF-style: chr11-64297155-G-A. GRCh37 (hg19) VCF-style: chr11-64064627-G-A.
Other names: c.350G>A, p.Arg117His (NM_001317090.2); short protein forms R117H.
Identifiers: ClinVar variation 3898056 (VCV003898056.1).

ClinVar aggregate classification (germline): Uncertain significance (1 of 4 stars; one submission).

Conditions:
Facial dysmorphism, hypertrichosis, epilepsy, intellectual/developmental delay, and gingival overgrowth syndrome. Identifiers: Orphanet 598603, MedGen C5193066, MONDO:0032714, OMIM 618381.

Submission:

Neuberg Centre For Genomic Medicine, NCGM
Classification: Uncertain significance for Facial dysmorphism, hypertrichosis, epilepsy, intellectual/developmental delay, and gingival overgrowth syndrome. Last evaluated: 2024-02-01. Review status: criteria provided, single submitter. Criteria: ACMG Guidelines, 2015. Collection method: clinical testing. Allele origin: germline. Inheritance: Autosomal dominant inheritance.
Comment: The above variant in KCNK4 gene has not been reported previously as a pathogenic variant nor as a benign variant, to our knowledge.